The following is an entry in ClinVar:

NM_020297.4(ABCC9):c.4512+691G>A

Genes: ABCC9 (ATP binding cassette subfamily C member 9; minus strand), KCNJ8-AS1 (KCNJ8 antisense RNA 1; plus strand). Cytogenetic location: 12p12.1.
Variant type: single nucleotide variant.
Coding change: c.4512+691G>A on transcript NM_020297.4 (MANE Select); 691 bases into the intron after coding-DNA position 4512, G replaced by A.
Molecular consequence: intron variant. On other transcripts: missense variant (1).
Genome position (GRCh38, 1-based): chr12:21,805,307, C>T on the plus strand (G>A on the coding strand, the complement: ABCC9 is on the minus strand). VCF-style: chr12-21805307-C-T. GRCh37 (hg19) VCF-style: chr12-21958241-C-T.
Other names: c.4517G>A, p.Arg1506His (NM_005691.4); c.3645+691G>A (NM_001377274.1); c.4512+691G>A (NM_001377273.1); short protein forms R1506H.
Identifiers: ClinVar variation 519009 (VCV000519009.15), dbSNP rs777661095, ClinGen allele CA6480821.
Genomic context (GRCh38, chr12:21,805,307, plus strand): 5'-TCCACTAAAATACCCTCAGAAAAGACTAAAACAAGGCCTGCATCCATAATAGAAGAGACA[C>T]GGTGCTGGAGAGAAAAATAGAAAAGAAGAGAATCAGCAGAAGGAAAAATGTCCAAGTGAC-3'

ClinVar aggregate classification (germline): Uncertain significance. Review status: criteria provided, multiple submitters, no conflicts (2 of 4 stars). 3 submissions from 3 submitters: Uncertain significance (3). Last evaluated 2026-01-21.

Conditions:
Dilated cardiomyopathy 1O (CMD1O). Also called: CARDIOMYOPATHY, DILATED, WITH VENTRICULAR TACHYCARDIA. Identifiers: Orphanet 154, MedGen C1837839, MONDO:0012062, OMIM 608569.
Cardiovascular phenotype. Identifiers: MedGen CN230736.

Allele frequency attached by ClinVar (database versions not stated): TOPMed below 0.00001; gnomAD 0.00001 and 0.00002; ExAC 0.00002; gnomAD exomes 0.00002 and 0.00004.
gnomAD v4.1: 59 of 1,613,488 alleles (0.0037%); highest among the groups gnomAD compares: South Asian, 0.0055%; no homozygotes.

Submissions (3):

Labcorp Genetics (formerly Invitae), Labcorp
Classification: Uncertain significance for Dilated cardiomyopathy 1O. Last evaluated: 2026-01-21. Review status: criteria provided, single submitter. Criteria: Invitae Variant Classification Sherloc (09022015). Collection method: clinical testing. Allele origin: germline.
Comment: This sequence change replaces arginine, which is basic and polar, with histidine, which is basic and polar, at codon 1506 of the ABCC9 protein (p.Arg1506His). The frequency data for this variant in the population databases is considered unreliable, as metrics indicate poor data quality at this position in the gnomAD database. This variant has not been reported in the literature in individuals affected with ABCC9-related conditions. ClinVar contains an entry for this variant (Variation ID: 519009). Invitae Evidence Modeling of protein sequence and biophysical properties (such as structural, functional, and spatial information, amino acid conservation, physicochemical variation, residue mobility, and thermodynamic stability) indicates that this missense variant is expected to disrupt ABCC9 protein function with a positive predictive value of 95%. In summary, the available evidence is currently insufficient to determine the role of this variant in disease. Therefore, it has been classified as a Variant of Uncertain Significance.

Ambry Genetics
Classification: Uncertain significance for Cardiovascular phenotype. Last evaluated: 2019-03-28. Review status: criteria provided, single submitter. Criteria: Ambry Variant Classification Scheme 2023. Collection method: clinical testing. Allele origin: germline.
Comment: The p.R1506H variant (also known as c.4517G>A), located in coding exon 38 of the ABCC9 gene, results from a G to A substitution at nucleotide position 4517. The arginine at codon 1506 is replaced by histidine, an amino acid with highly similar properties. This amino acid position is highly conserved in available vertebrate species. In addition, this alteration is predicted to be deleterious by in silico analysis. Since supporting evidence is limited at this time, the clinical significance of this alteration remains unclear.

Neuberg Centre For Genomic Medicine, NCGM
Classification: Uncertain significance for Dilated cardiomyopathy 1O. Review status: criteria provided, single submitter. Criteria: ACMG Guidelines, 2015. Collection method: clinical testing. Allele origin: germline. Inheritance: Autosomal dominant inheritance. Affected: yes.
Comment: The observed missense c.4517G>A(p.Arg1506His) variant in ABCC9 gene has not been reported previously as a pathogenic variant nor as a benign variant, to our knowledge. This variant is reported with the allele frequency of 0.002% in the gnomAD Exomes. This variant has been reported to the ClinVar database as Uncertain Significance. However, no details are available for independent assessment. The amino acid Arg at position 1506 is changed to a His changing protein sequence and it might alter its composition and physico-chemical properties. The amino acid change p.Arg1506His in ABCC9 is predicted as conserved by GERP++ and PhyloP across 100 vertebrates. The variant is predicted as damaging by SIFT. For these reasons, this variant has been classified as Uncertain Significance.